The following is an entry in ClinVar:

ClinVar aggregate classification (germline): Uncertain significance. Review status: criteria provided, multiple submitters, no conflicts (2 of 4 stars). 2 submissions from 2 submitters: Uncertain significance (2). Last evaluated 2026-05-07.

Conditions:
NRP2-related disorder. Also called: NRP2-related condition.

Allele frequency attached by ClinVar (database versions not stated): ExAC 0.00003; gnomAD 0.00004; TOPMed 0.00004.
gnomAD v4.1: 39 of 1,614,052 alleles (0.0024%); highest among the groups gnomAD compares: Middle Eastern, 0.016%; no homozygotes.

Submissions (2):

PreventionGenetics, part of Exact Sciences
Classification: Uncertain significance for NRP2-related condition. Last evaluated: 2026-05-07. Review status: criteria provided, single submitter. Criteria: ACMG Guidelines, 2015. Collection method: clinical testing. Allele origin: germline.
Comment: The NRP2 c.1262G>A variant is predicted to result in the amino acid substitution p.Arg421Gln. To our knowledge, this variant has not been reported in the literature. This variant is reported in 0.010% of alleles in individuals of East Asian descent in gnomAD. At this time, the clinical significance of this variant is uncertain due to the absence of conclusive functional and genetic evidence.

Ambry Genetics
Classification: Uncertain significance. Last evaluated: 2024-03-01. Review status: criteria provided, single submitter. Criteria: Ambry Variant Classification Scheme 2023. Collection method: clinical testing. Allele origin: germline.

NM_003872.3(NRP2):c.1262G>A (p.Arg421Gln)

Gene: NRP2 (neuropilin 2; plus strand). Cytogenetic location: 2q33.3.
Variant type: single nucleotide variant.
Coding change: c.1262G>A on transcript NM_003872.3 (MANE Select); coding-DNA position 1262, G replaced by A.
Protein change: p.Arg421Gln; replaces arginine 421 with glutamine.
Molecular consequence: missense variant.
Genome position (GRCh38, 1-based): chr2:205,740,634, G>A. VCF-style: chr2-205740634-G-A. GRCh37 (hg19) VCF-style: chr2-206605358-G-A.
Other names: c.1262G>A, p.Arg421Gln (NM_201279.2, NM_018534.4, NM_201264.2 and 2 more transcripts); short protein forms R421Q.
Identifiers: ClinVar variation 3202196 (VCV003202196.2), dbSNP rs778106244, ClinGen allele CA2069050.
Genomic context (GRCh38, chr2:205,740,634, plus strand): 5'-CACTGCTGACAAGGTTTGTTAGAATCCGCCCTCAGACCTGGCACTCAGGTATCGCCCTCC[G>A]GCTGGAGCTCTTCGGCTGCCGGGTCACAGGTGAGGTGGGGGCTCCAATGAGGTTGGGGTG-3'
Protein context (NP_003863.2, residues 411-431): PQTWHSGIAL[Arg421Gln]LELFGCRVTD